The following is an entry in ClinVar:

NM_000535.7(PMS2):c.1798A>G (p.Met600Val)

Gene: PMS2 (PMS1 homolog 2, mismatch repair system component; minus strand). Cytogenetic location: 7p22.1.
Variant type: single nucleotide variant.
Coding change: c.1798A>G on transcript NM_000535.7 (MANE Select); coding-DNA position 1798, A replaced by G.
Protein change: p.Met600Val; replaces methionine 600 with valine.
Molecular consequence: missense variant. On other transcripts: non-coding transcript variant (1).
Genome position (GRCh38, 1-based): chr7:5,986,967, T>C on the plus strand (A>G on the coding strand, the complement: PMS2 is on the minus strand). VCF-style: chr7-5986967-T-C. GRCh37 (hg19) VCF-style: chr7-6026598-T-C.
Other names: c.1393A>G, p.Met465Val (NM_001322003.2, NM_001322004.2, NM_001322005.2 and 1 more transcripts); c.1642A>G, p.Met548Val (NM_001322006.2); c.1480A>G, p.Met494Val (NM_001322007.2, NM_001322008.2); c.1237A>G, p.Met413Val (NM_001322010.2); c.865A>G, p.Met289Val (NM_001322011.2, NM_001322012.2); c.1225A>G, p.Met409Val (NM_001322013.2); c.1798A>G, p.Met600Val (NM_001322014.2); c.1489A>G, p.Met497Val (NM_001322015.2); short protein forms M600V, M465V, M413V, M548V, M497V, M289V, M409V, M494V.
Identifiers: ClinVar variation 548758 (VCV000548758.23), dbSNP rs1304634005, ClinGen allele CA366739799.
Genomic context (GRCh38, chr7:5,986,967, plus strand): 5'-AGTCCAGGGGCACAACTTTCTTATTAATTTTCACAGCTACATCAACCTGAGAGGCTGACA[T>C]GTCCTGAGTATTTACTAACTTTTGACAAATGTCAGAACTGGAAAGAATTTCTTCTTTTTT-3'
Protein context (NP_000526.2, residues 590-610): ICQKLVNTQD[Met600Val]SASQVDVAVK

ClinVar aggregate classification (germline): Conflicting classifications of pathogenicity. Review status: criteria provided, conflicting classifications (1 of 4 stars). 11 submissions from 11 submitters: Uncertain significance (8); Likely benign (1). 2 of the submissions do not count toward it. Last evaluated 2026-08-21.

Conditions:
Hereditary cancer-predisposing syndrome. Also called: Tumor predisposition; Hereditary neoplastic syndrome; Neoplastic Syndromes, Hereditary; Hereditary Cancer Syndrome. Identifiers: Orphanet 140162, MedGen C0027672, MeSH D009386, MONDO:0015356.
Lynch syndrome. Identifiers: Orphanet 144, MedGen C4552100, MONDO:0005835. Disease mechanism: loss of function.
Lynch syndrome 4 (LYNCH4). Also called: Colorectal cancer, hereditary nonpolyposis, type 4; Hereditary non-polyposis colorectal cancer, type 4. Identifiers: Orphanet 144, MedGen C1838333, MONDO:0013699, OMIM 614337. Disease mechanism: loss of function.
Hereditary breast ovarian cancer syndrome. Also called: Hereditary breast and ovarian cancer; Hereditary breast and ovarian cancer syndrome; Hereditary breast and/or ovarian cancer syndrome; Breast and ovarian cancer; Hereditary breast and ovarian cancer syndrome (HBOC); BRCA1- and BRCA2-Associated Hereditary Breast and Ovarian Cancer. Identifiers: Orphanet 145, MedGen C0677776, MeSH D061325, MONDO:0003582. Disease mechanism: loss of function.
Malignant tumor of breast. Also called: Malignant breast neoplasm; Cancer breast. Identifiers: MedGen C0006142, MONDO:0007254. Disease mechanism: loss of function.
PMS2-related disorder. Also called: PMS2-related condition.
Hereditary nonpolyposis colorectal neoplasms. Identifiers: MedGen C0009405, MeSH D003123.

Allele frequency attached by ClinVar (database versions not stated): gnomAD exomes below 0.00001 and 0.00001.

Submissions (11):

PreventionGenetics, part of Exact Sciences
Classification: Uncertain significance for PMS2-related condition. Last evaluated: 2026-08-21. Review status: criteria provided, single submitter. Criteria: ACMG Guidelines, 2015. Collection method: clinical testing. Allele origin: germline.
Comment: The PMS2 c.1798A>G variant is predicted to result in the amino acid substitution p.Met600Val. To our knowledge, this variant has not been reported in the literature. This variant is reported in 0.0099% of alleles in individuals of Ashkenazi Jewish descent in gnomAD. This variant has conflicting interpretations in ClinVar ranging from uncertain to likely benign (Variation ID: 548758). This variant is interpreted as uncertain.

Quest Diagnostics Nichols Institute San Juan Capistrano
Classification: Uncertain significance. Last evaluated: 2025-04-22. Review status: criteria provided, single submitter. Criteria: Quest Diagnostics criteria. Collection method: clinical testing. Allele origin: unknown.
Comment: The PMS2 c.1798A>G (p.Met600Val) variant has been reported in the published literature as a secondary finding in a cohort of individuals with atherosclerosis phenotype (PMID: 22703879 (2012)). The frequency of this variant in the general population (Genome Aggregation Database) is uninformative in the assessment of its pathogenicity. Analysis of this variant using bioinformatics tools for the prediction of the effect of amino acid changes on protein structure and function yielded predictions that this variant is benign. Based on the available information, we are unable to determine the clinical significance of this variant.

All of Us Research Program, National Institutes of Health
Classification: Uncertain significance for Lynch syndrome. Last evaluated: 2023-11-30. Review status: criteria provided, single submitter. Criteria: ACMG Guidelines, 2015. Collection method: clinical testing. Allele origin: germline. Inheritance: Autosomal dominant inheritance. Observed: 2 variant alleles, 2 heterozygotes.
Comment: This missense variant replaces methionine with valine at codon 600 of the PMS2 protein. Computational prediction suggests that this variant may not impact protein structure and function (internally defined REVEL score threshold <= 0.5, PMID: 27666373). To our knowledge, functional studies have not been reported for this variant. This variant has not been reported in individuals affected with PMS2-related disorders in the literature. This variant has been identified in 2/251454 chromosomes in the general population by the Genome Aggregation Database (gnomAD). The available evidence is insufficient to determine the role of this variant in disease conclusively. Therefore, this variant is classified as a Variant of Uncertain Significance.

This study involves interpretation of variants in research participants for the purpose of population health screening. Participant phenotype was not available at the time of variant classification. Additional details can be found in publication PMID: 35346344, PMCID: PMC8962531

Color Diagnostics, LLC DBA Color Health
Classification: Uncertain significance for Hereditary cancer-predisposing syndrome. Last evaluated: 2023-09-20. Review status: criteria provided, single submitter. Criteria: ACMG Guidelines, 2015. Collection method: clinical testing. Allele origin: germline.
Comment: This missense variant replaces methionine with valine at codon 600 of the PMS2 protein. Computational prediction suggests that this variant may not impact protein structure and function (internally defined REVEL score threshold <= 0.5, PMID: 27666373). To our knowledge, functional studies have not been reported for this variant. This variant has not been reported in individuals affected with PMS2-related disorders in the literature. This variant has been identified in 2/251454 chromosomes in the general population by the Genome Aggregation Database (gnomAD). The available evidence is insufficient to determine the role of this variant in disease conclusively. Therefore, this variant is classified as a Variant of Uncertain Significance.

Myriad Genetics, Inc.
Classification: Uncertain significance for Lynch syndrome 4. Last evaluated: 2023-04-04. Review status: criteria provided, single submitter. Criteria: Myriad Autosomal Dominant, Autosomal Recessive and X-Linked Classification Criteria (2023). Collection method: clinical testing. Allele origin: unknown.
Comment: This variant is classified as a variant of uncertain significance as there is insufficient evidence to determine its impact on protein function and/or cancer risk.

Labcorp Genetics (formerly Invitae), Labcorp
Classification: Uncertain significance for Hereditary nonpolyposis colorectal neoplasms. Last evaluated: 2022-10-17. Review status: criteria provided, single submitter. Criteria: Invitae Variant Classification Sherloc (09022015). Collection method: clinical testing. Allele origin: germline.
Comment: This sequence change replaces methionine, which is neutral and non-polar, with valine, which is neutral and non-polar, at codon 600 of the PMS2 protein (p.Met600Val). This variant is present in population databases (no rsID available, gnomAD 0.01%). This variant has not been reported in the literature in individuals affected with PMS2-related conditions. ClinVar contains an entry for this variant (Variation ID: 548758). Advanced modeling of protein sequence and biophysical properties (such as structural, functional, and spatial information, amino acid conservation, physicochemical variation, residue mobility, and thermodynamic stability) performed at Invitae indicates that this missense variant is not expected to disrupt PMS2 protein function. In summary, the available evidence is currently insufficient to determine the role of this variant in disease. Therefore, it has been classified as a Variant of Uncertain Significance.

Sema4
Classification: Uncertain significance for Hereditary cancer-predisposing syndrome. Last evaluated: 2022-02-10. Review status: criteria provided, single submitter. Criteria: Sema4 Curation Guidelines. Collection method: curation. Allele origin: germline.
Comment: The PMS2 c.1798A>G (p.M600V) variant has not been reported in the literature in individuals with PMS2-related diseases. It was observed in 1/10078 chromosomes of the Ashkenazi Jewish subpopulation in the large and broad cohorts of the Genome Aggregation Database (PMID: 32461654). This variant has been reported in ClinVar (Variation ID: 548758). In silico tools suggest the impact of the variant on protein function is benign, though these predictions have not been confirmed by functional studies. The evidence is insufficient to meet ACMG/AMP criteria for classifying the variant as benign or pathogenic. Thus, the clinical significance of this variant is currently uncertain.

Ambry Genetics
Classification: Likely benign for Hereditary cancer-predisposing syndrome. Last evaluated: 2019-05-22. Review status: criteria provided, single submitter. Criteria: Ambry Variant Classification Scheme 2023. Collection method: clinical testing. Allele origin: germline.

Cancer Genomics Group, Japanese Foundation For Cancer Research
Classification: Uncertain significance for Hereditary breast and ovarian cancer syndrome. Last evaluated: 2019-05-01. Review status: criteria provided, single submitter. Criteria: ACMG Guidelines, 2015. Collection method: research. Allele origin: germline. Affected: yes.

Counsyl
Classification: Uncertain significance for Lynch syndrome 4. Last evaluated: 2017-07-06. Review status: no assertion criteria provided. Collection method: clinical testing. Allele origin: unknown. Not counted in ClinVar's aggregate classification.

Department of Pathology and Laboratory Medicine, Sinai Health System
Classification: Uncertain significance for Malignant tumor of breast. Review status: no assertion criteria provided. Collection method: clinical testing. Allele origin: unknown. Affected: yes. Study: The Canadian Open Genetics Repository (COGR). Not counted in ClinVar's aggregate classification.
Comment: The PMS2 p.Met600Val variant was identified in 1 of 1144 proband chromosomes (frequency: 0.0009) from individuals or families with atherosclerosis (Johnston 2012,). The variant was identified in dbSNP (rs1304634005) as â€šÃ„ÃºNAâ€šÃ„Ã¹ and ClinVar (classified as uncertain significance by Color and Counsyl). The variant was identified in control databases in 2 of 251,454 chromosomes at a frequency of 0.000008 (Genome Aggregation Database Feb 27, 2017). The variant was observed in the following populations: Ashkenazi Jewish in 1 of 10,078 chromosomes (freq: 0.0001) and East Asian in 1 of 18,394 chromosomes (freq: 0.00005), while it was not observed in the African, Latino, Finnish, European, Other or South Asian populations. The p.Met600 residue is not conserved in mammals and computational analyses (PolyPhen-2, SIFT, AlignGVGD, BLOSUM, MutationTaster) do not suggest a high likelihood of impact to the protein; however, this information is not predictive enough to rule out pathogenicity. The variant occurs outside of the splicing consensus sequence and in silico or computational prediction software programs (SpliceSiteFinder, MaxEntScan, NNSPLICE, GeneSplicer) do not predict a difference in splicing. In summary, based on the above information, the clinical significance of this variant cannot be determined with certainty at this time. This variant is classified as a variant of uncertain significance.